The following is an entry in ClinVar:

ClinVar aggregate classification (germline): Likely benign. Review status: criteria provided, multiple submitters, no conflicts (2 of 4 stars). 4 submissions from 4 submitters: Likely benign (4). Last evaluated 2025-12-15.

Conditions:
X-linked severe congenital neutropenia (SCNX). Identifiers: Orphanet 86788, MedGen C1845987, MONDO:0010294, OMIM 300299.
Thrombocytopenia 1. Also called: THROMBOCYTOPENIA, X-LINKED, 1; X-linked thrombocytopenia with normal platelets; X-Linked Thrombocytopenia (XLT). Identifiers: Orphanet 268322, Orphanet 852, MedGen C1839163, MONDO:0010743, OMIM 313900.
Wiskott-Aldrich syndrome (WAS). Also called: WISKOTT-ALDRICH SYNDROME 1; ALDRICH SYNDROME; IMMUNODEFICIENCY 2; Wiskott-aldrich syndrome, somatic. Identifiers: Orphanet 906, MedGen C0043194, MONDO:0010518, OMIM 301000.

Allele frequency attached by ClinVar (database versions not stated): gnomAD exomes 0.00004 and 0.00005; ExAC 0.00008; gnomAD 0.00008 and 0.00009; TOPMed 0.00008; ESP Exome Variant Server 0.00019.

Submissions (4):

Labcorp Genetics (formerly Invitae), Labcorp
Classification: Likely benign for Wiskott-Aldrich syndrome; X-linked severe congenital neutropenia; Thrombocytopenia 1. Last evaluated: 2025-12-15. Review status: criteria provided, single submitter. Criteria: Invitae Variant Classification Sherloc (09022015). Collection method: clinical testing. Allele origin: germline.

Mayo Clinic Laboratories, Mayo Clinic
Classification: Likely benign. Last evaluated: 2025-03-11. Review status: criteria provided, single submitter. Criteria: ACMG Guidelines, 2015. Collection method: clinical testing. Allele origin: germline. Observed: 1 variant allele.
Comment: BS2, BP4, BP7

Blueprint Genetics
Classification: Likely benign. Last evaluated: 2024-10-21. Review status: criteria provided, single submitter. Criteria: ACMG Guidelines, 2015. Collection method: clinical testing. Allele origin: germline.

GeneDx
Classification: Likely benign. Last evaluated: 2017-03-23. Review status: criteria provided, single submitter. Criteria: GeneDx Variant Classification (06012015). Collection method: clinical testing. Allele origin: germline. Affected: yes.
Comment: This variant is considered likely benign or benign based on one or more of the following criteria: it is a conservative change, it occurs at a poorly conserved position in the protein, it is predicted to be benign by multiple in silico algorithms, and/or has population frequency not consistent with disease.

NM_000377.3(WAS):c.351C>T (p.Phe117=)

Gene: WAS (WASP actin nucleation promoting factor; plus strand). Cytogenetic location: Xp11.23.
Variant type: single nucleotide variant.
Coding change: c.351C>T on transcript NM_000377.3 (MANE Select); coding-DNA position 351, C replaced by T.
Protein change: p.Phe117=; no amino-acid change (phenylalanine 117 retained).
Molecular consequence: synonymous variant.
Genome position (GRCh38, 1-based): chrX:48,685,624, C>T. VCF-style: chrX-48685624-C-T. GRCh37 (hg19) VCF-style: chrX-48544013-C-T.
Other names: p.Phe117=.
Identifiers: ClinVar variation 508428 (VCV000508428.12), dbSNP rs143299151, ClinGen allele CA10403898.